The following is an entry in ClinVar:

NM_001042492.3(NF1):c.1393-2dup

Gene: NF1 (neurofibromin 1; plus strand). Cytogenetic location: 17q11.2.
Variant type: Duplication.
Coding change: c.1393-2dup on transcript NM_001042492.3 (MANE Select); the canonical splice acceptor site of the intron before coding-DNA position 1393, one base duplicated (A; older notation c.1393-2dupA).
Molecular consequence: splice acceptor variant.
Genome position (GRCh38, 1-based): chr17:31,214,449, A duplicated. VCF-style (leftmost placement, unchanged base first): chr17-31214448-T-TA. GRCh37 (hg19) VCF-style: chr17-29541466-T-TA.
Other names: c.1393-2dup (NM_000267.4, NM_001128147.3); c.1393-2dupA (NM_000267.3).
Identifiers: ClinVar variation 504049 (VCV000504049.10), dbSNP rs1394021280, ClinGen allele CA658798761.

ClinVar aggregate classification (germline): Conflicting classifications of pathogenicity. Review status: criteria provided, conflicting classifications (1 of 4 stars). 4 submissions from 4 submitters: Uncertain significance (3); Likely benign (1). Last evaluated 2026-01-28.

Conditions:
Cardiovascular phenotype. Identifiers: MedGen CN230736.
Hereditary cancer-predisposing syndrome. Also called: Hereditary Cancer Syndrome; Tumor predisposition; Neoplastic Syndromes, Hereditary; Hereditary neoplastic syndrome. Identifiers: Orphanet 140162, MedGen C0027672, MeSH D009386, MONDO:0015356.
Neurofibromatosis, type 1 (NF1). Also called: Peripheral type neurofibromatosis; VON RECKLINGHAUSEN DISEASE; NEUROFIBROMATOSIS, TYPE I, SOMATIC; Neurofibromatosis, type I. Identifiers: Orphanet 636, MedGen C0027831, MONDO:0018975, OMIM 162200. Disease mechanism: loss of function.

Allele frequency attached by ClinVar (database versions not stated): TOPMed below 0.00001.

Submissions (4):

Labcorp Genetics (formerly Invitae), Labcorp
Classification: Uncertain significance for Neurofibromatosis, type 1. Last evaluated: 2026-01-28. Review status: criteria provided, single submitter. Criteria: Invitae Variant Classification Sherloc (09022015). Collection method: clinical testing. Allele origin: germline.
Comment: This sequence change falls in intron 12 of the NF1 gene. It does not directly change the encoded amino acid sequence of the NF1 protein. It affects a nucleotide within the consensus splice site. This variant is not present in population databases (gnomAD no frequency). This variant has not been reported in the literature in individuals affected with NF1-related conditions. ClinVar contains an entry for this variant (Variation ID: 504049). Variants that disrupt the consensus splice site are a relatively common cause of aberrant splicing (PMID: 17576681, 9536098). RNA analysis performed to evaluate the impact of this variant on mRNA splicing indicates it does not significantly alter splicing (internal data). In summary, the available evidence is currently insufficient to determine the role of this variant in disease. Therefore, it has been classified as a Variant of Uncertain Significance.

Ambry Genetics
Classification: Likely benign for Cardiovascular phenotype; Hereditary cancer-predisposing syndrome. Last evaluated: 2022-08-16. Review status: criteria provided, single submitter. Criteria: Ambry Variant Classification Scheme 2023. Collection method: clinical testing. Allele origin: germline.

Genome-Nilou Lab
Classification: Uncertain significance for Neurofibromatosis, type 1. Last evaluated: 2022-03-15. Review status: criteria provided, single submitter. Criteria: ACMG Guidelines, 2015. Collection method: clinical testing. Allele origin: germline. Affected: no.

GeneDx
Classification: Uncertain significance. Last evaluated: 2021-02-23. Review status: criteria provided, single submitter. Criteria: GeneDx Variant Classification Process June 2021. Collection method: clinical testing. Allele origin: germline. Affected: yes.
Comment: Not observed in large population cohorts (Lek et al., 2016); Has not been previously published as pathogenic or benign to our knowledge

Literature cited by the submitters: PubMed 17576681 (cited by Labcorp Genetics (formerly Invitae), Labcorp); PubMed 9536098 (cited by Labcorp Genetics (formerly Invitae), Labcorp).